The following is an entry in ClinVar:

ClinVar aggregate classification (germline): Uncertain significance (1 of 4 stars; one submission).

Conditions:
Glycogen storage disease, type IV (GSD4). Also called: AMYLOPECTINOSIS; ANDERSEN DISEASE; BRANCHER DEFICIENCY; CIRRHOSIS, FAMILIAL, WITH DEPOSITION OF ABNORMAL GLYCOGEN; GBE1 DEFICIENCY; GLYCOGEN BRANCHING ENZYME DEFICIENCY. Identifiers: Orphanet 367, MedGen C0017923, MONDO:0009292, OMIM 232500.
Glycogen storage disease IV, classic hepatic. Also called: GSD IV, CLASSIC HEPATIC. Identifiers: MedGen C1856301.

Allele frequency attached by ClinVar (database versions not stated): gnomAD exomes below 0.00001; ExAC 0.00001; gnomAD 0.00004.
gnomAD v4.1: 7 of 1,573,712 alleles (0.00044%); highest among the groups gnomAD compares: African/African-American, 0.0097%; no homozygotes.

Submission:

Labcorp Genetics (formerly Invitae), Labcorp
Classification: Uncertain significance for Glycogen storage disease, type IV; Glycogen storage disease IV, classic hepatic. Last evaluated: 2022-07-26. Review status: criteria provided, single submitter. Criteria: Invitae Variant Classification Sherloc (09022015). Collection method: clinical testing. Allele origin: germline.
Comment: This sequence change replaces glutamic acid with lysine at codon 558 of the GBE1 protein (p.Glu558Lys). The glutamic acid residue is moderately conserved and there is a small physicochemical difference between glutamic acid and lysine. This variant is present in population databases (rs765212625, gnomAD 0.01%). This variant has not been reported in the literature in individuals affected with GBE1-related conditions. ClinVar contains an entry for this variant (Variation ID: 1370841). Advanced modeling of protein sequence and biophysical properties (such as structural, functional, and spatial information, amino acid conservation, physicochemical variation, residue mobility, and thermodynamic stability) performed at Invitae indicates that this missense variant is not expected to disrupt GBE1 protein function. In summary, the available evidence is currently insufficient to determine the role of this variant in disease. Therefore, it has been classified as a Variant of Uncertain Significance.

NM_000158.4(GBE1):c.1672G>A (p.Glu558Lys)

Gene: GBE1 (1,4-alpha-glucan branching enzyme 1; minus strand). Cytogenetic location: 3p12.2.
Variant type: single nucleotide variant.
Coding change: c.1672G>A on transcript NM_000158.4 (MANE Select); coding-DNA position 1672, G replaced by A.
Protein change: p.Glu558Lys; replaces glutamic acid 558 with lysine.
Molecular consequence: missense variant.
Genome position (GRCh38, 1-based): chr3:81,537,042, C>T on the plus strand (G>A on the coding strand, the complement: GBE1 is on the minus strand). VCF-style: chr3-81537042-C-T. GRCh37 (hg19) VCF-style: chr3-81586193-C-T.
Other names: short protein forms E558K.
Identifiers: ClinVar variation 1370841 (VCV001370841.3), dbSNP rs765212625, ClinGen allele CA2499595.